The following is an entry in ClinVar:

ClinVar aggregate classification (germline): Uncertain significance (1 of 4 stars; one submission).

gnomAD v4.1: 30 of 1,613,844 alleles (0.0019%); highest among the groups gnomAD compares: South Asian, 0.031%; no homozygotes.

Submission:

Labcorp Genetics (formerly Invitae), Labcorp
Classification: Uncertain significance. Last evaluated: 2022-11-01. Review status: criteria provided, single submitter. Criteria: Invitae Variant Classification Sherloc (09022015). Collection method: clinical testing. Allele origin: germline.
Comment: Algorithms developed to predict the effect of missense changes on protein structure and function (SIFT, PolyPhen-2, Align-GVGD) all suggest that this variant is likely to be tolerated. In summary, the available evidence is currently insufficient to determine the role of this variant in disease. Therefore, it has been classified as a Variant of Uncertain Significance. This variant has not been reported in the literature in individuals affected with SLC13A3-related conditions. This variant is present in population databases (rs201204730, gnomAD 0.03%). This sequence change replaces tyrosine, which is neutral and polar, with serine, which is neutral and polar, at codon 583 of the SLC13A3 protein (p.Tyr583Ser).

NM_022829.6(SLC13A3):c.1748A>C (p.Tyr583Ser)

Gene: SLC13A3 (solute carrier family 13 member 3; minus strand). Cytogenetic location: 20q13.12.
Variant type: single nucleotide variant.
Coding change: c.1748A>C on transcript NM_022829.6 (MANE Select); coding-DNA position 1748, A replaced by C.
Protein change: p.Tyr583Ser; replaces tyrosine 583 with serine.
Molecular consequence: missense variant.
Genome position (GRCh38, 1-based): chr20:46,560,083, T>G on the plus strand (A>C on the coding strand, the complement: SLC13A3 is on the minus strand). VCF-style: chr20-46560083-T-G. GRCh37 (hg19) VCF-style: chr20-45188722-T-G.
Other names: c.1607A>C, p.Tyr536Ser (NM_001011554.3); c.1598A>C, p.Tyr533Ser (NM_001193339.2); c.1502A>C, p.Tyr501Ser (NM_001193340.2); c.1454A>C, p.Tyr485Ser (NM_001193342.2); short protein forms Y485S, Y501S, Y583S, Y533S, Y536S.
Identifiers: ClinVar variation 1904571 (VCV001904571.5), dbSNP rs201204730, ClinGen allele CA9891159.